The following is an entry in ClinVar:

ClinVar aggregate classification (germline): Pathogenic/Likely pathogenic. Review status: criteria provided, multiple submitters, no conflicts (2 of 4 stars). 4 submissions from 4 submitters: Pathogenic (1); Likely pathogenic (3). Last evaluated 2025-11-01.

Conditions:
Pseudoxanthoma elasticum, forme fruste. Also called: Pseudoxanthoma Elasticum, Incomplete; PSEUDOXANTHOMA ELASTICUM, HETEROZYGOUS. Identifiers: Orphanet 758, MedGen C1867450, MONDO:0008333, OMIM 177850.
Arterial calcification, generalized, of infancy, 2. Identifiers: Orphanet 51608, MedGen C3276161, MONDO:0013768, OMIM 614473.
Autosomal recessive inherited pseudoxanthoma elasticum (PXE). Identifiers: Orphanet 758, MedGen CN032334, MONDO:0009925, OMIM 264800.

gnomAD v4.1: 3 of 1,613,868 alleles (0.00019%); highest among the groups gnomAD compares: East Asian, 0.0067%; no homozygotes.

Submissions (4):

CeGaT Center for Human Genetics Tuebingen
Classification: Likely pathogenic. Last evaluated: 2025-11-01. Review status: criteria provided, single submitter. Criteria: CeGaT Center For Human Genetics Tuebingen Variant Classification Criteria Version 2. Collection method: clinical testing. Allele origin: germline. Affected: yes. Observed: 1 variant allele.
Comment: ABCC6: PM2, PM3, PVS1:Moderate

Labcorp Genetics (formerly Invitae), Labcorp
Classification: Pathogenic. Last evaluated: 2025-08-03. Review status: criteria provided, single submitter. Criteria: Invitae Variant Classification Sherloc (09022015). Collection method: clinical testing. Allele origin: germline.
Comment: This sequence change affects an acceptor splice site in intron 30 of the ABCC6 gene. While this variant is not anticipated to result in nonsense mediated decay, it likely alters RNA splicing and results in a disrupted protein product. This variant is not present in population databases (gnomAD no frequency). Disruption of this splice site has been observed in individual(s) with clinical features of ABCC6-related conditions (PMID: 38165475, 38818560; internal data). In at least one individual the data is consistent with being in trans (on the opposite chromosome) from a pathogenic variant. ClinVar contains an entry for this variant (Variation ID: 3578536). Variants that disrupt the consensus splice site are a relatively common cause of aberrant splicing (PMID: 17576681, 9536098). Algorithms developed to predict the effect of sequence changes on RNA splicing suggest that this variant may disrupt the consensus splice site. For these reasons, this variant has been classified as Pathogenic.

Fulgent Genetics
Classification: Likely pathogenic for Pseudoxanthoma elasticum, forme fruste; Autosomal recessive inherited pseudoxanthoma elasticum; Arterial calcification, generalized, of infancy, 2. Last evaluated: 2024-02-28. Review status: criteria provided, single submitter. Criteria: ACMG Guidelines, 2015. Collection method: clinical testing. Allele origin: germline.

Juno Genomics, Hangzhou Juno Genomics, Inc
Classification: Likely pathogenic for Arterial calcification, generalized, of infancy, 2; Autosomal recessive inherited pseudoxanthoma elasticum; Pseudoxanthoma elasticum, forme fruste. Review status: criteria provided, single submitter. Criteria: ACMG Guidelines, 2015. Collection method: clinical testing. Allele origin: germline. Affected: yes.
Comment: Absent from controls (or at extremely low frequency if recessive) in Genome Aggregation Database, Exome Sequencing Project, 1000 Genomes Project, or Exome Aggregation Consortium.;Null variant in a gene where loss of function (LOF) is a known mechanism of disease.;For recessive disorders, detected in trans with a pathogenic variant.;Patient's phenotype or family history is highly specific for a disease with a single genetic etiology.

Literature cited by the submitters: PubMed 38165475 (cited by Labcorp Genetics (formerly Invitae), Labcorp); PubMed 38818560 (cited by Labcorp Genetics (formerly Invitae), Labcorp); PubMed 17576681 (cited by Labcorp Genetics (formerly Invitae), Labcorp); PubMed 9536098 (cited by Labcorp Genetics (formerly Invitae), Labcorp).

NM_001171.6(ABCC6):c.4404-1G>A

Gene: ABCC6 (ATP binding cassette subfamily C member 6; minus strand). Cytogenetic location: 16p13.11.
Variant type: single nucleotide variant.
Coding change: c.4404-1G>A on transcript NM_001171.6 (MANE Select); the canonical splice acceptor site of the intron before coding-DNA position 4404, G replaced by A.
Molecular consequence: splice acceptor variant.
Genome position (GRCh38, 1-based): chr16:16,150,242, C>T on the plus strand (G>A on the coding strand, the complement: ABCC6 is on the minus strand). VCF-style: chr16-16150242-C-T. GRCh37 (hg19) VCF-style: chr16-16244099-C-T.
Other names: c.4062-1G>A (NM_001351800.1).
Identifiers: ClinVar variation 3578536 (VCV003578536.10).
Genomic context (GRCh38, chr16:16,150,242, plus strand): 5'-GCCAGCAGCTGGGCCGGGCTGCCGCTCTCTGCCACCTGCCCCTTGTCCATGACCAGAACC[C>T]TGTGGGGGAGAGGGAGACAGAGAGGCTCTTTGGACACCAGCCCAGGCTCTCGGCAGCTGT-3'